The following is an entry in ClinVar:

NM_001148.6(ANK2):c.9009G>T (p.Leu3003Phe)

Gene: ANK2 (ankyrin 2; plus strand). Cytogenetic location: 4q26.
Variant type: single nucleotide variant.
Coding change: c.9009G>T on transcript NM_001148.6 (MANE Select); coding-DNA position 9009, G replaced by T.
Protein change: p.Leu3003Phe; replaces leucine 3003 with phenylalanine.
Molecular consequence: missense variant. On other transcripts: intron variant (68).
Genome position (GRCh38, 1-based): chr4:113,357,627, G>T. VCF-style: chr4-113357627-G-T. GRCh37 (hg19) VCF-style: chr4-114278783-G-T.
Other names: c.8775G>T, p.Leu2925Phe (NM_001386142.1); c.5409G>T, p.Leu1803Phe (NM_001386166.1); c.9150G>T, p.Leu3050Phe (NM_001386174.1); c.9126G>T, p.Leu3042Phe (NM_001386175.1); c.4412-3196G>T (NM_001386186.2, NM_001386148.2); c.4214-3196G>T (NM_001354269.3); c.4292-3196G>T (NM_001386187.2); c.4253-3196G>T (NM_001386147.1); and 35 more; short protein forms L1803F, L2925F, L3050F, L3003F, L3042F.
Identifiers: ClinVar variation 1357571 (VCV001357571.8), dbSNP rs930979563, ClinGen allele CA357936255.
Genomic context (GRCh38, chr4:113,357,627, plus strand): 5'-CAAAGAATCTAATTTTGAGGGCCAGGACATAAAAATGGAATCCCAACAGGAAAGTACCTT[G>T]TGGGAAATGCAATCAGACAGTGTCTCTTCATCTTTCGAGCCTACTATGTCCGCTACAACA-3'
Protein context (NP_001139.3, residues 2993-3013): IKMESQQEST[Leu3003Phe]WEMQSDSVSS

ClinVar aggregate classification (germline): Uncertain significance (1 of 4 stars; one submission).

Conditions:
Long QT syndrome (LQTS). Identifiers: MedGen C0023976, MeSH D008133, MONDO:0002442. Disease mechanism: loss of function. Inheritance: Various modes of inheritance.

gnomAD v4.1: 3 of 1,614,162 alleles (0.00019%); highest among the groups gnomAD compares: East Asian, 0.0022%; no homozygotes.

Submission:

Labcorp Genetics (formerly Invitae), Labcorp
Classification: Uncertain significance for Long QT syndrome. Last evaluated: 2020-12-19. Review status: criteria provided, single submitter. Criteria: Invitae Variant Classification Sherloc (09022015). Collection method: clinical testing. Allele origin: germline.
Comment: In summary, the available evidence is currently insufficient to determine the role of this variant in disease. Therefore, it has been classified as a Variant of Uncertain Significance. Algorithms developed to predict the effect of missense changes on protein structure and function (SIFT, PolyPhen-2, Align-GVGD) all suggest that this variant is likely to be tolerated, but these predictions have not been confirmed by published functional studies and their clinical significance is uncertain. This variant has not been reported in the literature in individuals with ANK2-related conditions. This variant is not present in population databases (ExAC no frequency). This sequence change replaces leucine with phenylalanine at codon 3003 of the ANK2 protein (p.Leu3003Phe). The leucine residue is weakly conserved and there is a small physicochemical difference between leucine and phenylalanine.